The following is an entry in ClinVar:

ClinVar aggregate classification (germline): Uncertain significance (1 of 4 stars; one submission).

Submission:

GeneDx
Classification: Uncertain significance. Last evaluated: 2026-02-02. Review status: criteria provided, single submitter. Criteria: GeneDx Variant Classification Process June 2021. Collection method: clinical testing. Allele origin: germline.
Comment: Not observed at significant frequency in large population cohorts (gnomAD); In silico analysis suggests that this missense variant does not alter protein structure/function; Has not been previously published as pathogenic or benign to our knowledge

NM_015602.4(TOR1AIP1):c.826C>A (p.Pro276Thr)

Gene: TOR1AIP1 (torsin 1A interacting protein 1; plus strand). Cytogenetic location: 1q25.2.
Variant type: single nucleotide variant.
Coding change: c.826C>A on transcript NM_015602.4 (MANE Select); coding-DNA position 826, C replaced by A.
Protein change: p.Pro276Thr; replaces proline 276 with threonine.
Molecular consequence: missense variant.
Genome position (GRCh38, 1-based): chr1:179,907,852, C>A. VCF-style: chr1-179907852-C-A. GRCh37 (hg19) VCF-style: chr1-179876987-C-A.
Other names: c.829C>A, p.Pro277Thr (NM_001267578.2); short protein forms P276T, P277T.
Identifiers: ClinVar variation 4888043 (VCV004888043.1).